The following is an entry in ClinVar:

NM_003640.5(ELP1):c.304-10T>A

Gene: ELP1 (elongator acetyltransferase complex subunit 1; minus strand). Cytogenetic location: 9q31.3.
Variant type: single nucleotide variant.
Coding change: c.304-10T>A on transcript NM_003640.5 (MANE Select); 10 bases into the intron before coding-DNA position 304, T replaced by A.
Molecular consequence: intron variant.
Genome position (GRCh38, 1-based): chr9:108,927,463, A>T on the plus strand (T>A on the coding strand, the complement: ELP1 is on the minus strand). VCF-style: chr9-108927463-A-T. GRCh37 (hg19) VCF-style: chr9-111689743-A-T.
Other names: c.-39-10T>A (NM_001318360.2); c.-556-10T>A (NM_001330749.2).
Identifiers: ClinVar variation 991318 (VCV000991318.5), dbSNP rs1417685633, ClinGen allele CA589615255.

ClinVar aggregate classification (germline): Uncertain significance. Review status: criteria provided, multiple submitters, no conflicts (2 of 4 stars). 3 submissions from 3 submitters: Uncertain significance (2). 1 of the submissions does not count toward it. Last evaluated 2025-02-10.

Conditions:
Familial dysautonomia. Also called: HSAN III; FD. Identifiers: Orphanet 1764, MedGen C0013364, MONDO:0009131, OMIM 223900. Disease mechanism: loss of function.

Allele frequency attached by ClinVar (database versions not stated): gnomAD exomes below 0.00001; TOPMed below 0.00001; gnomAD 0.00001.
gnomAD v4.1: 5 of 1,608,836 alleles (0.00031%); highest among the groups gnomAD compares: African/African-American, 0.0013%; no homozygotes.

Submissions (3):

ARUP Laboratories, Molecular Genetics and Genomics, ARUP Laboratories
Classification: Uncertain significance. Last evaluated: 2025-02-10. Review status: criteria provided, single submitter. Criteria: ARUP Molecular Germline Variant Investigation Process 2024. Collection method: clinical testing. Allele origin: germline.
Comment: The ELP1 c.304-10T>A variant (rs1417685633), to our knowledge, is not reported in the medical literature but is reported in ClinVar (Variation ID: 991318). This variant is only observed on one allele in the Genome Aggregation Database (v2.1.1), indicating it is not a common polymorphism. This is an intronic variant and computational analyses (Alamut Visual Plus v.1.12) predict that this variant may impact splicing by weakening the nearby canonical acceptor splice site. Due to limited information, the clinical significance of this variant is uncertain at this time.

Labcorp Genetics (formerly Invitae), Labcorp
Classification: Uncertain significance. Last evaluated: 2024-01-18. Review status: criteria provided, single submitter. Criteria: Invitae Variant Classification Sherloc (09022015). Collection method: clinical testing. Allele origin: germline.
Comment: This sequence change falls in intron 3 of the ELP1 gene. It does not directly change the encoded amino acid sequence of the ELP1 protein. The frequency data for this variant in the population databases is considered unreliable, as metrics indicate poor data quality at this position in the gnomAD database. This variant has not been reported in the literature in individuals affected with ELP1-related conditions. ClinVar contains an entry for this variant (Variation ID: 991318). Algorithms developed to predict the effect of sequence changes on RNA splicing suggest that this variant may disrupt the consensus splice site. In summary, the available evidence is currently insufficient to determine the role of this variant in disease. Therefore, it has been classified as a Variant of Uncertain Significance.

Natera, Inc.
Classification: Uncertain significance for Familial dysautonomia. Last evaluated: 2020-08-20. Review status: no assertion criteria provided. Collection method: clinical testing. Allele origin: germline. Not counted in ClinVar's aggregate classification.